The following is an entry in ClinVar:

NM_144997.7(FLCN):c.619-17_619-16delinsGG

Gene: FLCN (folliculin; minus strand). Cytogenetic location: 17p11.2.
Variant type: Indel.
Coding change: c.619-17_619-16delinsGG on transcript NM_144997.7 (MANE Select); 17 bases into the intron before coding-DNA position 619 through 16 bases into the intron before coding-DNA position 619, TT replaced by GG.
Molecular consequence: intron variant.
Genome position (GRCh38, 1-based): chr17:17,222,677-17,222,678, AA replaced by CC on the plus strand (TT replaced by GG on the coding strand, the reverse complement: FLCN is on the minus strand). VCF-style: chr17-17222677-AA-CC. GRCh37 (hg19) VCF-style: chr17-17125991-AA-CC.
Other names: c.619-17_619-16delinsGG (NM_001353231.2, NM_001353230.2, NM_144606.7); c.673-17_673-16delinsGG (NM_001353229.2).
Identifiers: ClinVar variation 2816655 (VCV002816655.3), dbSNP rs2544236475, ClinGen allele CA2739267190.

ClinVar aggregate classification (germline): Uncertain significance (1 of 4 stars; one submission).

Conditions:
Birt-Hogg-Dube syndrome. Also called: Birt Hogg Dubé syndrome. Identifiers: Orphanet 122, MedGen C0346010, MONDO:0800444.

Submission:

Labcorp Genetics (formerly Invitae), Labcorp
Classification: Uncertain significance for Birt-Hogg-Dube syndrome. Last evaluated: 2023-09-01. Review status: criteria provided, single submitter. Criteria: Invitae Variant Classification Sherloc (09022015). Collection method: clinical testing. Allele origin: germline.
Comment: In summary, the available evidence is currently insufficient to determine the role of this variant in disease. Therefore, it has been classified as a Variant of Uncertain Significance. This variant has not been reported in the literature in individuals affected with FLCN-related conditions. Information on the frequency of this variant in the gnomAD database is not available, as this variant may be reported differently in the database. This sequence change falls in intron 6 of the FLCN gene. It does not directly change the encoded amino acid sequence of the FLCN protein.